The following is an entry in ClinVar:

ClinVar aggregate classification (germline): Likely benign. Review status: criteria provided, single submitter (1 of 4 stars). 2 submissions from 2 submitters: Likely benign (1). 1 of the submissions does not count toward it. Last evaluated 2025-08-09.

Conditions:
INPP5E-related disorder. Also called: INPP5E-related condition.
Joubert syndrome. Also called: CEREBELLOPARENCHYMAL DISORDER IV; JOUBERT-BOLTSHAUSER SYNDROME; Familial aplasia of the vermis. Identifiers: Orphanet 475, MedGen C5979921, MONDO:0018772.

Submissions (2):

Labcorp Genetics (formerly Invitae), Labcorp
Classification: Likely benign for Joubert syndrome. Last evaluated: 2025-08-09. Review status: criteria provided, single submitter. Criteria: Invitae Variant Classification Sherloc (09022015). Collection method: clinical testing. Allele origin: germline.

PreventionGenetics, part of Exact Sciences
Classification: Likely benign for INPP5E-related condition. Last evaluated: 2021-06-25. Review status: no assertion criteria provided. Collection method: clinical testing. Allele origin: germline. Not counted in ClinVar's aggregate classification.
Comment: This variant is classified as likely benign based on ACMG/AMP sequence variant interpretation guidelines (Richards et al. 2015 PMID: 25741868, with internal and published modifications).

NM_019892.6(INPP5E):c.1035-8_1035-6del

Gene: INPP5E (inositol polyphosphate-5-phosphatase E; minus strand). Cytogenetic location: 9q34.3.
Variant type: Microsatellite.
Coding change: c.1035-8_1035-6del on transcript NM_019892.6 (MANE Select); 8 bases into the intron before coding-DNA position 1035 through 6 bases into the intron before coding-DNA position 1035, 3 bases deleted (CTC; older notation c.1035-8_1035-6delCTC).
Molecular consequence: intron variant.
Genome position (GRCh38, 1-based): chr9:136,433,285-136,433,287, GAG deleted on the plus strand (CTC on the coding strand, the reverse complement: INPP5E is on the minus strand); deleting any 3 consecutive bases within chr9:136,433,285-136,433,292 gives the same sequence; the c. name uses the placement nearest the transcript's 3' end. VCF-style (leftmost placement, unchanged base first): chr9-136433284-AGAG-A. GRCh37 (hg19) VCF-style: chr9-139327736-AGAG-A.
Other names: c.1035-8_1035-6del (NM_001318502.2); c.1035-8_1035-6delCTC (NM_019892.5).
Identifiers: ClinVar variation 1129429 (VCV001129429.11), dbSNP rs1226334444, ClinGen allele CA591184700.